The following is an entry in ClinVar:

ClinVar aggregate classification (germline): Conflicting classifications of pathogenicity. Review status: criteria provided, conflicting classifications (1 of 4 stars). 5 submissions from 5 submitters: Uncertain significance (3); Likely benign (2). Last evaluated 2025-12-08.

Conditions:
Hereditary cancer-predisposing syndrome. Also called: Hereditary Cancer Syndrome; Neoplastic Syndromes, Hereditary; Tumor predisposition; Hereditary neoplastic syndrome. Identifiers: Orphanet 140162, MedGen C0027672, MeSH D009386, MONDO:0015356.
Hereditary diffuse gastric adenocarcinoma (HDGC). Also called: DIFFUSE GASTRIC AND LOBULAR BREAST CANCER SYNDROME. Identifiers: Orphanet 26106, MedGen C1708349, MONDO:0007648, OMIM 137215.

Allele frequency attached by ClinVar (database versions not stated): gnomAD exomes below 0.00001 and 0.00001; TOPMed below 0.00001; ExAC 0.00001; gnomAD 0.00002.
gnomAD v4.1: 6 of 1,614,094 alleles (0.00037%); highest among the groups gnomAD compares: African/African-American, 0.0013%; no homozygotes.

Submissions (5):

Labcorp Genetics (formerly Invitae), Labcorp
Classification: Likely benign for Hereditary diffuse gastric adenocarcinoma. Last evaluated: 2025-12-08. Review status: criteria provided, single submitter. Criteria: Invitae Variant Classification Sherloc (09022015). Collection method: clinical testing. Allele origin: germline.

Color Diagnostics, LLC DBA Color Health
Classification: Uncertain significance for Hereditary cancer-predisposing syndrome. Last evaluated: 2024-09-24. Review status: criteria provided, single submitter. Criteria: ACMG Guidelines, 2015. Collection method: clinical testing. Allele origin: germline.
Comment: This variant causes an A>G nucleotide substitution at the +3 position of intron 4 of the CDH1 gene. Splice site prediction tools predict that this variant may have a significant impact on RNA splicing. However, a functional study has shown there is no indication of altered splicing (PMID: 23197654). This variant has been observed in an individual with a personal history of breast and gastric cancer (PMID: 36436516). This variant has been identified in 1/251178 chromosomes in the general population by the Genome Aggregation Database (gnomAD). The available evidence is insufficient to determine the role of this variant in disease conclusively. Therefore, this variant is classified as a Variant of Uncertain Significance.

Women's Health and Genetics/Laboratory Corporation of America, LabCorp
Classification: Uncertain significance. Last evaluated: 2023-03-03. Review status: criteria provided, single submitter. Criteria: LabCorp Variant Classification Summary - May 2015. Collection method: clinical testing. Allele origin: germline.
Comment: Variant summary: CDH1 c.531+3A>G alters a conserved nucleotide located close to a canonical 5' donor splice site and therefore could affect mRNA splicing, leading to a significantly altered protein sequence. Two computational tools predict that the variant has a significant impact on normal splicing. However, a functional study has provided experimental evidence indicating that the variant does not affect splicing (Vogelaar_2013). The variant allele was found at a frequency of 4e-06 in 251178 control chromosomes (gnomAD). The available data on variant occurrences in the general population are insufficient to allow any conclusion about variant significance. c.531+3A>G has been reported in the literature in at least one individual affected with Lynch syndrome, however in this report the variant co-occurred with a pathogenic variant in an MMR gene, providing evidence supporting a benign role (Jori_2015). To our knowledge, no experimental evidence demonstrating an impact on protein function has been reported. Three clinical diagnostic laboratories have submitted clinical-significance assessments for this variant to ClinVar after 2014 and classified the variant as VUS (n=2) or likely benign (n=1). Based on the evidence outlined above, the variant was classified as uncertain significance.

European Reference Network on Genetic Tumour Risk Syndromes (ERN-GENTURIS), i3s - Instituto de Investigação e Inovação em Saúde, University of Porto
Classification: Uncertain significance for Hereditary diffuse gastric adenocarcinoma. Last evaluated: 2022-08-01. Review status: criteria provided, single submitter. Criteria: Lee et al. (Hum Mutat. 2018). Collection method: clinical testing. Allele origin: germline. Inheritance: Autosomal dominant inheritance. Affected: no. Study: ERN GENTURIS.
Comment: PM2; BS3 (PMID: 30311375)

Ambry Genetics
Classification: Likely benign for Hereditary cancer-predisposing syndrome. Last evaluated: 2022-01-18. Review status: criteria provided, single submitter. Criteria: Ambry Variant Classification Scheme 2023. Collection method: clinical testing. Allele origin: germline.

Literature cited by the submitters: PubMed 23197654 (cited by 3 submitters); PubMed 36436516 (cited by Color Diagnostics, LLC DBA Color Health and European Reference Network on Genetic Tumour Risk Syndromes (ERN-GENTURIS), i3s - Instituto de Investigação e Inovação em Saúde, University of Porto); PubMed 26517685 (cited by Women's Health and Genetics/Laboratory Corporation of America, LabCorp).

NM_004360.5(CDH1):c.531+3A>G

Gene: CDH1 (cadherin 1; plus strand). Cytogenetic location: 16q22.1.
Variant type: single nucleotide variant.
Coding change: c.531+3A>G on transcript NM_004360.5 (MANE Select); 3 bases into the intron after coding-DNA position 531, A replaced by G.
Molecular consequence: intron variant.
Genome position (GRCh38, 1-based): chr16:68,808,570, A>G. VCF-style: chr16-68808570-A-G. GRCh37 (hg19) VCF-style: chr16-68842473-A-G.
Other names: c.531+3A>G (LRG_301t1, NM_001317184.2); c.-1085+3A>G (NM_001317185.2); c.-1289+3A>G (NM_001317186.2).
Identifiers: ClinVar variation 230570 (VCV000230570.15), dbSNP rs766563354, ClinGen allele CA8129873.